The following is an entry in ClinVar:

NM_015102.5(NPHP4):c.3720C>T (p.Cys1240=)

Gene: NPHP4 (nephrocystin 4; minus strand). Cytogenetic location: 1p36.31.
Variant type: single nucleotide variant.
Coding change: c.3720C>T on transcript NM_015102.5 (MANE Select); coding-DNA position 3720, C replaced by T.
Protein change: p.Cys1240=; no amino-acid change (cysteine 1240 retained).
Molecular consequence: synonymous variant. On other transcripts: non-coding transcript variant (1).
Genome position (GRCh38, 1-based): chr1:5,865,198, G>A on the plus strand (C>T on the coding strand, the complement: NPHP4 is on the minus strand). VCF-style: chr1-5865198-G-A. GRCh37 (hg19) VCF-style: chr1-5925258-G-A.
Other names: c.2181C>T, p.Cys727= (NM_001291593.2); c.2184C>T, p.Cys728= (NM_001291594.2); c.3720C>T (NM_015102.4).
Identifiers: ClinVar variation 874895 (VCV000874895.7), dbSNP rs377728296, ClinGen allele CA553491.
Genomic context (GRCh38, chr1:5,865,198, plus strand): 5'-TTTCCTCACTGTCTGTGTCCCCCGAAGGACAAGGGACAGGCGGGTCAGCTGGCCTGCGAC[G>A]CAGGAGACATCCACGCGCTGCAGGGAGTGGAGGTAGACCTGCCACGTCTGTGTGGGTGTC-3'
Protein context (NP_055917.1, residues 1230-1250): LHSLQRVDVS[Cys1240=]VAGQLTRLSL

ClinVar aggregate classification (germline): Conflicting classifications of pathogenicity. Review status: criteria provided, conflicting classifications (1 of 4 stars). 4 submissions from 3 submitters: Uncertain significance (2); Likely benign (2). Last evaluated 2025-07-25.

Conditions:
Nephronophthisis. Also called: Juvenile Nephronophthisis. Identifiers: Orphanet 655, MedGen C0687120, MONDO:0019005, HP:0000090.
Nephronophthisis 4 (NPHP4). Also called: NEPHRONOPHTHISIS 4, JUVENILE. Identifiers: Orphanet 655, MedGen C1847013, MONDO:0011752, OMIM 606966.
Senior-Loken syndrome 4 (SLSN4). Identifiers: Orphanet 3156, MedGen C1846979, MONDO:0011756, OMIM 606996.
NPHP4-related disorder. Also called: NPHP4-related disorders; NPHP4-related condition. Identifiers: MedGen CN239384.

Allele frequency attached by ClinVar (database versions not stated): TOPMed 0.00002; gnomAD 0.00003; gnomAD exomes 0.00004 and 0.00005; ExAC 0.00012; 1000 Genomes Project 30x 0.00016; ESP Exome Variant Server 0.00016; 1000 Genomes Project 0.00020.
gnomAD v4.1: 64 of 1,611,138 alleles (0.004%); highest among the groups gnomAD compares: Non-Finnish European, 0.0048%; 2 homozygotes.

Submissions (4):

PreventionGenetics, part of Exact Sciences
Classification: Likely benign for NPHP4-related condition. Last evaluated: 2025-07-25. Review status: criteria provided, single submitter. Criteria: ACMG Guidelines, 2015. Collection method: clinical testing. Allele origin: germline.
Comment: This variant is classified as likely benign based on ACMG/AMP sequence variant interpretation guidelines (Richards et al. 2015 PMID: 25741868, with internal and published modifications).

Labcorp Genetics (formerly Invitae), Labcorp
Classification: Likely benign for Nephronophthisis. Last evaluated: 2025-06-22. Review status: criteria provided, single submitter. Criteria: Invitae Variant Classification Sherloc (09022015). Collection method: clinical testing. Allele origin: germline.

Illumina Laboratory Services, Illumina
Classification: Uncertain significance for Nephronophthisis 4. Last evaluated: 2018-01-15. Review status: criteria provided, single submitter. Criteria: ICSL Variant Classification Criteria 13 December 2019. Collection method: clinical testing. Allele origin: germline.

Illumina Laboratory Services, Illumina
Classification: Uncertain significance for Senior-Loken syndrome 4. Last evaluated: 2018-01-15. Review status: criteria provided, single submitter. Criteria: ICSL Variant Classification Criteria 13 December 2019. Collection method: clinical testing. Allele origin: germline.